The following is an entry in ClinVar:

ClinVar aggregate classification (germline): Benign. Review status: criteria provided, multiple submitters, no conflicts (2 of 4 stars). 3 submissions from 3 submitters: Benign (3). Last evaluated 2025-12-24.

Conditions:
Hyperthyroxinemia, familial dysalbuminemic (FDAH). Also called: EUTHYROID HYPERTHYROXINEMIA 1. Identifiers: MedGen C0342185, MONDO:0014448, OMIM 615999.

Allele frequency attached by ClinVar (database versions not stated): 1000 Genomes Project 30x 0.00515; gnomAD 0.00561 and 0.00602; TOPMed 0.00604; ESP Exome Variant Server 0.00684; gnomAD exomes 0.00102 and 0.00262; ExAC 0.00251; 1000 Genomes Project 0.00439.
gnomAD v4.1: 2,461 of 1,614,072 alleles (0.15%); highest among the groups gnomAD compares: African/African-American, 1.7%; 17 homozygotes.

Submissions (3):

Labcorp Genetics (formerly Invitae), Labcorp
Classification: Benign. Last evaluated: 2025-12-24. Review status: criteria provided, single submitter. Criteria: Invitae Variant Classification Sherloc (09022015). Collection method: clinical testing. Allele origin: germline.

Illumina Laboratory Services, Illumina
Classification: Benign for Hyperthyroxinemia, familial dysalbuminemic. Last evaluated: 2018-01-13. Review status: criteria provided, single submitter. Criteria: ICSL Variant Classification Criteria 13 December 2019. Collection method: clinical testing. Allele origin: germline.
Comment: This variant was observed in the ICSL laboratory as part of a predisposition screen in an ostensibly healthy population. It had not been previously curated by ICSL or reported in the Human Gene Mutation Database (HGMD: prior to June 1st, 2018), and was therefore a candidate for classification through an automated scoring system. Utilizing variant allele frequency, disease prevalence and penetrance estimates, and inheritance mode, an automated score was calculated to assess if this variant is too frequent to cause the disease. Based on the score and internal cut-off values, a variant classified as benign is not then subjected to further curation. The score for this variant resulted in a classification of benign for this disease.

Breakthrough Genomics
Classification: Benign. Review status: criteria provided, single submitter. Criteria: ACMG Guidelines, 2015. Collection method: not provided. Allele origin: germline. Inheritance: Autosomal recessive inheritance. Affected: yes.

NM_000477.7(ALB):c.1608T>C (p.Asp536=)

Gene: ALB (albumin; plus strand). Cytogenetic location: 4q13.3.
Variant type: single nucleotide variant.
Coding change: c.1608T>C on transcript NM_000477.7 (MANE Select); coding-DNA position 1608, T replaced by C.
Protein change: p.Asp536=; no amino-acid change (aspartic acid 536 retained).
Molecular consequence: synonymous variant.
Genome position (GRCh38, 1-based): chr4:73,418,267, T>C. VCF-style: chr4-73418267-T-C. GRCh37 (hg19) VCF-style: chr4-74283984-T-C.
Identifiers: ClinVar variation 349637 (VCV000349637.14), dbSNP rs56042353, ClinGen allele CA2959693.
Genomic context (GRCh38, chr4:73,418,267, plus strand): 5'-AGTCGATGAAACATACGTTCCCAAAGAGTTTAATGCTGAAACATTCACCTTCCATGCAGA[T>C]ATATGCACACTTTCTGAGAAGGAGAGACAAATCAAGAAACAAACGTGAGGAGTATTTCAT-3'
Protein context (NP_000468.1, residues 526-546): FNAETFTFHA[Asp536=]ICTLSEKERQ